The following is an entry in ClinVar:

NM_001171.6(ABCC6):c.302C>G (p.Ala101Gly)

Gene: ABCC6 (ATP binding cassette subfamily C member 6; minus strand). Cytogenetic location: 16p13.11.
Variant type: single nucleotide variant.
Coding change: c.302C>G on transcript NM_001171.6 (MANE Select); coding-DNA position 302, C replaced by G.
Protein change: p.Ala101Gly; replaces alanine 101 with glycine.
Molecular consequence: missense variant. On other transcripts: 5 prime UTR variant (1), non-coding transcript variant (1).
Genome position (GRCh38, 1-based): chr16:16,219,865, G>C on the plus strand (C>G on the coding strand, the complement: ABCC6 is on the minus strand). VCF-style: chr16-16219865-G-C. GRCh37 (hg19) VCF-style: chr16-16313722-G-C.
Other names: c.-41C>G (NM_001351800.1); short protein forms A101G.
Identifiers: ClinVar variation 2598888 (VCV002598888.5), dbSNP rs753016843, ClinGen allele CA7926659.

ClinVar aggregate classification (germline): Uncertain significance. Review status: criteria provided, multiple submitters, no conflicts (2 of 4 stars). 3 submissions from 3 submitters: Uncertain significance (3). Last evaluated 2026-03-23.

Conditions:
Inborn genetic diseases. Identifiers: MedGen C0950123, MeSH D030342.
ABCC6-related disorder. Also called: ABCC6-related condition.

Allele frequency attached by ClinVar (database versions not stated): TOPMed 0.00008.

Submissions (3):

PreventionGenetics, part of Exact Sciences
Classification: Uncertain significance for ABCC6-related condition. Last evaluated: 2026-03-23. Review status: criteria provided, single submitter. Criteria: ACMG Guidelines, 2015. Collection method: clinical testing. Allele origin: germline.
Comment: The ABCC6 c.302C>G variant is predicted to result in the amino acid substitution p.Ala101Gly. To our knowledge, this variant has not been reported in the literature. This variant is reported in 0.0084% of alleles in individuals of Latino descent in gnomAD. At this time, the clinical significance of this variant is uncertain due to the absence of conclusive functional and genetic evidence.

Ambry Genetics
Classification: Uncertain significance for Inborn genetic diseases. Last evaluated: 2026-03-10. Review status: criteria provided, single submitter. Criteria: Ambry Variant Classification Scheme 2023. Collection method: clinical testing. Allele origin: germline.
Comment: The c.302C>G (p.A101G) alteration is located in exon 3 (coding exon 3) of the ABCC6 gene. This alteration results from a C to G substitution at nucleotide position 302, causing the alanine (A) at amino acid position 101 to be replaced by a glycine (G). Based on data from gnomAD, the G allele has an overall frequency of 0.004% (6/146746) total alleles studied. The highest observed frequency was 0.008% (2/23808) of Latino alleles. Based on insufficient or conflicting evidence, the clinical significance of this alteration remains unclear.

Blueprint Genetics
Classification: Uncertain significance. Last evaluated: 2024-10-24. Review status: criteria provided, single submitter. Criteria: ACMG Guidelines, 2015. Collection method: clinical testing. Allele origin: germline.